The following is an entry in ClinVar:

NM_001099287.2(NIPAL4):c.*566C>A

Gene: NIPAL4 (NIPA like domain containing 4; plus strand). Cytogenetic location: 5q33.3.
Variant type: single nucleotide variant.
Coding change: c.*566C>A on transcript NM_001099287.2 (MANE Select); 566 bases downstream of the stop codon, C replaced by A.
Molecular consequence: 3 prime UTR variant.
Genome position (GRCh38, 1-based): chr5:157,473,526, C>A. VCF-style: chr5-157473526-C-A. GRCh37 (hg19) VCF-style: chr5-156900534-C-A.
Other names: c.*566C>A (NM_001172292.2).
Identifiers: ClinVar variation 352532 (VCV000352532.5), dbSNP rs10476052, ClinGen allele CA10623988.
Genomic context (GRCh38, chr5:157,473,526, plus strand): 5'-GGGACACAACCAGTGTAAAATATCCTGTTGCCTTTGTCACTTCCTCTTTGGAGGCAGAAG[C>A]AAGACCTCAGCTGACCTTCTTACTGTGAAAGCCACTTGATGTCTCAGGGAAAAATTTCAA-3'

ClinVar aggregate classification (germline): Benign (1 of 4 stars; one submission).

Conditions:
Autosomal recessive congenital ichthyosis 6 (ARCI6). Identifiers: Orphanet 313, Orphanet 79394, MedGen C2677065, MONDO:0012847, OMIM 612281.

Allele frequency attached by ClinVar (database versions not stated): gnomAD exomes 0.00847; 1000 Genomes Project 0.03874; 1000 Genomes Project 30x 0.03998; TOPMed 0.06067; gnomAD 0.06111 and 0.06380.
gnomAD v4.1: 9,371 of 152,328 alleles (6.2%); highest among the groups gnomAD compares: Middle Eastern, 8.5%; 329 homozygotes.

Submission:

Illumina Laboratory Services, Illumina
Classification: Benign for Autosomal recessive congenital ichthyosis 6. Last evaluated: 2018-01-13. Review status: criteria provided, single submitter. Criteria: ICSL Variant Classification Criteria 13 December 2019. Collection method: clinical testing. Allele origin: germline.
Comment: This variant was observed in the ICSL laboratory as part of a predisposition screen in an ostensibly healthy population. It had not been previously curated by ICSL or reported in the Human Gene Mutation Database (HGMD: prior to June 1st, 2018), and was therefore a candidate for classification through an automated scoring system. Utilizing variant allele frequency, disease prevalence and penetrance estimates, and inheritance mode, an automated score was calculated to assess if this variant is too frequent to cause the disease. Based on the score and internal cut-off values, a variant classified as benign is not then subjected to further curation. The score for this variant resulted in a classification of benign for this disease.